The following is an entry in ClinVar:

ClinVar aggregate classification (germline): Uncertain significance (1 of 4 stars; one submission).

Conditions:
Gorlin syndrome. Also called: Nevoid Basal Cell Carcinoma Syndrome; Basal cell nevus syndrome. Identifiers: Orphanet 377, MedGen C0004779, MONDO:0007187.

Allele frequency attached by ClinVar (database versions not stated): gnomAD exomes below 0.00001.
gnomAD v4.1: 1 of 1,613,960 alleles (0.000062%); highest among the groups gnomAD compares: Non-Finnish European, 0.000085%; no homozygotes.

Submission:

Labcorp Genetics (formerly Invitae), Labcorp
Classification: Uncertain significance for Gorlin syndrome. Last evaluated: 2021-10-07. Review status: criteria provided, single submitter. Criteria: Invitae Variant Classification Sherloc (09022015). Collection method: clinical testing. Allele origin: germline.
Comment: This variant is not present in population databases (ExAC no frequency). This variant has not been reported in the literature in individuals affected with PTCH1-related conditions. Variants that disrupt the consensus splice site are a relatively common cause of aberrant splicing (PMID: 17576681, 9536098). Algorithms developed to predict the effect of sequence changes on RNA splicing suggest that this variant may create or strengthen a splice site. In summary, the available evidence is currently insufficient to determine the role of this variant in disease. Therefore, it has been classified as a Variant of Uncertain Significance. This sequence change falls in intron 20 of the PTCH1 gene. It does not directly change the encoded amino acid sequence of the PTCH1 protein. It affects a nucleotide within the consensus splice site of the intron.

Literature cited by the submitters: PubMed 17576681; PubMed 9536098.

NM_000264.5(PTCH1):c.3449+6C>T

Gene: PTCH1 (patched 1; minus strand). Cytogenetic location: 9q22.32.
Variant type: single nucleotide variant.
Coding change: c.3449+6C>T on transcript NM_000264.5 (MANE Select); 6 bases into the intron after coding-DNA position 3449, C replaced by T.
Molecular consequence: intron variant.
Genome position (GRCh38, 1-based): chr9:95,453,472, G>A on the plus strand (C>T on the coding strand, the complement: PTCH1 is on the minus strand). VCF-style: chr9-95453472-G-A. GRCh37 (hg19) VCF-style: chr9-98215754-G-A.
Other names: c.3446+6C>T (NM_001083603.3); c.3251+6C>T (NM_001083602.3); c.3293+6C>T (NM_001354918.2); c.2996+6C>T (NM_001083605.3, NM_001083604.3, NM_001083606.3 and 1 more transcripts).
Identifiers: ClinVar variation 1474756 (VCV001474756.6), dbSNP rs2136630772, ClinGen allele CA2568755369.